The following is an entry in ClinVar:

ClinVar aggregate classification (germline): Uncertain significance (1 of 4 stars; one submission).

Conditions:
Pitt-Hopkins syndrome (PTHS). Also called: MENTAL RETARDATION, SYNDROMAL, WITH INTERMITTENT HYPERVENTILATION; ENCEPHALOPATHY, SEVERE EPILEPTIC, WITH AUTONOMIC DYSFUNCTION. Identifiers: Orphanet 2896, MedGen C1970431, MONDO:0012589, OMIM 610954.

Submission:

Labcorp Genetics (formerly Invitae), Labcorp
Classification: Uncertain significance for Pitt-Hopkins syndrome. Last evaluated: 2022-09-27. Review status: criteria provided, single submitter. Criteria: Invitae Variant Classification Sherloc (09022015). Collection method: clinical testing. Allele origin: germline.
Comment: In summary, the available evidence is currently insufficient to determine the role of this variant in disease. Therefore, it has been classified as a Variant of Uncertain Significance. Experimental studies and prediction algorithms are not available or were not evaluated, and the functional significance of this variant is currently unknown. This variant has not been reported in the literature in individuals affected with TCF4-related conditions. This variant is not present in population databases (gnomAD no frequency). This variant, c.939_947del, results in the deletion of 3 amino acid(s) of the TCF4 protein (p.Ala314_Gly316del), but otherwise preserves the integrity of the reading frame.

NM_001083962.2(TCF4):c.939_947del (p.Ala314_Gly316del)

Gene: TCF4 (transcription factor 4; minus strand). Cytogenetic location: 18q21.2.
Variant type: Deletion.
Coding change: c.939_947del on transcript NM_001083962.2 (MANE Select); coding-DNA positions 939 to 947, 9 bases deleted (GGCAGCCGG; older notation c.939_947delGGCAGCCGG).
Protein change: p.Ala314_Gly316del.
Molecular consequence: inframe deletion.
Genome position (GRCh38, 1-based): chr18:55,261,509-55,261,517, CCGGCTGCC deleted on the plus strand (GGCAGCCGG on the coding strand, the reverse complement: TCF4 is on the minus strand); deleting any 9 consecutive bases within chr18:55,261,509-55,261,520 gives the same sequence; the c. name uses the placement nearest the transcript's 3' end. VCF-style (leftmost placement, unchanged base first): chr18-55261508-GCCGGCTGCC-G. GRCh37 (hg19) VCF-style: chr18-52928739-GCCGGCTGCC-G.
Other names: c.1245_1253del, p.Ala416_Gly418del (NM_001243226.3); c.867_875del, p.Ala290_Gly292del (NM_001243227.2, NM_001306207.1, NM_001348217.1 and 9 more transcripts); c.957_965del, p.Ala320_Gly322del (NM_001243228.2); c.933_941del, p.Ala312_Gly314del (NM_001243230.2); c.813_821del, p.Ala272_Gly274del (NM_001243231.2, NM_001348211.2); c.726_734del, p.Ala243_Gly245del (NM_001243232.1, NM_001306208.1); c.549_557del, p.Ala184_Gly186del (NM_001243233.2, NM_001330605.3, NM_001348212.2 and 1 more transcripts); c.459_467del, p.Ala154_Gly156del (NM_001243234.2, NM_001243235.2, NM_001243236.2 and 2 more transcripts); and 4 more.
Identifiers: ClinVar variation 2032892 (VCV002032892.4), dbSNP rs2058076417, ClinGen allele CA2305019172.